The following is an entry in ClinVar:

NM_001197104.2(KMT2A):c.5493A>G (p.Lys1831=)

Gene: KMT2A (lysine methyltransferase 2A; plus strand). Cytogenetic location: 11q23.3.
Variant type: single nucleotide variant.
Coding change: c.5493A>G on transcript NM_001197104.2 (MANE Select); coding-DNA position 5493, A replaced by G.
Protein change: p.Lys1831=; no amino-acid change (lysine 1831 retained).
Molecular consequence: synonymous variant.
Genome position (GRCh38, 1-based): chr11:118,495,829, A>G. VCF-style: chr11-118495829-A-G. GRCh37 (hg19) VCF-style: chr11-118366544-A-G.
Other names: c.5583A>G, p.Lys1861= (NM_001412597.1); c.5484A>G, p.Lys1828= (NM_005933.4).
Identifiers: ClinVar variation 2672486 (VCV002672486.23), dbSNP rs2496944533, ClinGen allele CA477092746.

ClinVar aggregate classification (germline): Likely benign (1 of 4 stars; one submission).

Submission:

CeGaT Center for Human Genetics Tuebingen
Classification: Likely benign. Last evaluated: 2023-11-01. Review status: criteria provided, single submitter. Criteria: CeGaT Center For Human Genetics Tuebingen Variant Classification Criteria Version 2. Collection method: clinical testing. Allele origin: germline. Affected: yes. Observed: 1 variant allele.
Comment: KMT2A: PM2:Supporting, BP4, BP7